The following is an entry in ClinVar:

NM_000969.5(RPL5):c.500dup (p.Asp168fs)

Genes: DIPK1A (divergent protein kinase domain 1A; minus strand), RPL5 (ribosomal protein L5; plus strand). Cytogenetic location: 1p22.1.
Variant type: Duplication.
Coding change: c.500dup on transcript NM_000969.5 (MANE Select); coding-DNA position 500, one base duplicated (T; older notation c.500dupT).
Protein change: p.Asp168fs; shifts the reading frame from aspartic acid 168.
Molecular consequence: frameshift variant. On other transcripts: non-coding transcript variant (1), intron variant (1).
Genome position (GRCh38, 1-based): chr1:92,836,365, T duplicated. VCF-style (leftmost placement, unchanged base first): chr1-92836364-G-GT. GRCh37 (hg19) VCF-style: chr1-93301921-G-GT.
Other names: c.475-3331dup (NM_001252273.2); short protein forms D168fs.
Identifiers: ClinVar variation 1451573 (VCV001451573.8), dbSNP rs2100685034, ClinGen allele CA2573132084.
Genomic context (GRCh38, chr1:92,836,364, plus strand): 5'-GATGCAGGCCTTGCCAGAACTACCACTGGCAATAAAGTTTTTGGTGCCCTGAAGGGAGCT[G>GT]TGGATGGAGGCTTGTCTATCCCTCACAGGTAAGAATACTATTTAAGACCTTGGTGCCTGG-3'

ClinVar aggregate classification (germline): Pathogenic (1 of 4 stars; one submission).

Conditions:
Diamond-Blackfan anemia. Also called: Blackfan Diamond syndrome; Aregenerative anemia chronic congenital; Red cell aplasia, pure hereditary; Congenital hypoplastic anemia; Aase syndrome. Identifiers: Orphanet 124, MedGen C1260899, MeSH D029503, MONDO:0015253, HP:0004810.

Submission:

Labcorp Genetics (formerly Invitae), Labcorp
Classification: Pathogenic for Diamond-Blackfan anemia. Last evaluated: 2021-11-18. Review status: criteria provided, single submitter. Criteria: Invitae Variant Classification Sherloc (09022015). Collection method: clinical testing. Allele origin: germline.
Comment: This variant is not present in population databases (gnomAD no frequency). For these reasons, this variant has been classified as Pathogenic. This variant has not been reported in the literature in individuals affected with RPL5-related conditions. This sequence change creates a premature translational stop signal (p.Asp168Glyfs*17) in the RPL5 gene. It is expected to result in an absent or disrupted protein product. Loss-of-function variants in RPL5 are known to be pathogenic (PMID: 19061985, 19773262).

Literature cited by the submitters: PubMed 19061985; PubMed 19773262.